The following is an entry in ClinVar:

NM_183050.4(BCKDHB):c.617A>C (p.His206Pro)

Gene: BCKDHB (branched chain keto acid dehydrogenase E1 subunit beta; plus strand). Cytogenetic location: 6q14.1.
Variant type: single nucleotide variant.
Coding change: c.617A>C on transcript NM_183050.4 (MANE Select); coding-DNA position 617, A replaced by C.
Protein change: p.His206Pro; replaces histidine 206 with proline.
Molecular consequence: missense variant. On other transcripts: non-coding transcript variant (1).
Genome position (GRCh38, 1-based): chr6:80,169,014, A>C. VCF-style: chr6-80169014-A-C. GRCh37 (hg19) VCF-style: chr6-80878731-A-C.
Other names: c.617A>C, p.His206Pro (NM_000056.5); c.407A>C, p.His136Pro (NM_001318975.1); short protein forms H136P, H206P.
Identifiers: ClinVar variation 846897 (VCV000846897.6), dbSNP rs1562104694, ClinGen allele CA364658120.

ClinVar aggregate classification (germline): Uncertain significance (1 of 4 stars; one submission).

Conditions:
Maple syrup urine disease (MSUD). Identifiers: Orphanet 511, MedGen C0024776, MeSH D008375, MONDO:0009563. Disease mechanism: loss of function.

Allele frequency attached by ClinVar (database versions not stated): gnomAD exomes below 0.00001.
gnomAD v4.1: 1 of 1,614,070 alleles (0.000062%); highest among the groups gnomAD compares: East Asian, 0.0022%; no homozygotes.

Submission:

Labcorp Genetics (formerly Invitae), Labcorp
Classification: Uncertain significance for Maple syrup urine disease. Last evaluated: 2025-01-15. Review status: criteria provided, single submitter. Criteria: Invitae Variant Classification Sherloc (09022015). Collection method: clinical testing. Allele origin: germline.
Comment: This sequence change replaces histidine, which is basic and polar, with proline, which is neutral and non-polar, at codon 206 of the BCKDHB protein (p.His206Pro). This variant is not present in population databases (gnomAD no frequency). This missense change has been observed in individual(s) with clinical features of maple syrup urine disease (internal data). In at least one individual the data is consistent with being in trans (on the opposite chromosome) from a pathogenic variant. ClinVar contains an entry for this variant (Variation ID: 846897). Invitae Evidence Modeling of protein sequence and biophysical properties (such as structural, functional, and spatial information, amino acid conservation, physicochemical variation, residue mobility, and thermodynamic stability) has been performed for this missense variant. However, the output from this modeling did not meet the statistical confidence thresholds required to predict the impact of this variant on BCKDHB protein function. This variant disrupts the p.His206 amino acid residue in BCKDHB. Other variant(s) that disrupt this residue have been observed in individuals with BCKDHB-related conditions (PMID: 8161368, 14742428), which suggests that this may be a clinically significant amino acid residue. In summary, the available evidence is currently insufficient to determine the role of this variant in disease. Therefore, it has been classified as a Variant of Uncertain Significance.

Literature cited by the submitters: PubMed 8161368; PubMed 14742428.